The following is an entry in ClinVar:

NM_025099.6(CTC1):c.3532C>T (p.Arg1178Ter)

Gene: CTC1 (CST telomere replication complex component 1; minus strand). Cytogenetic location: 17p13.1.
Variant type: single nucleotide variant.
Coding change: c.3532C>T on transcript NM_025099.6 (MANE Select); coding-DNA position 3532, C replaced by T.
Protein change: p.Arg1178Ter; replaces arginine 1178 with a stop codon.
Molecular consequence: nonsense. On other transcripts: non-coding transcript variant (1).
Genome position (GRCh38, 1-based): chr17:8,228,302, G>A on the plus strand (C>T on the coding strand, the complement: CTC1 is on the minus strand). VCF-style: chr17-8228302-G-A. GRCh37 (hg19) VCF-style: chr17-8131620-G-A.
Other names: p.Arg1178*; short protein forms R1178*.
Identifiers: ClinVar variation 451273 (VCV000451273.13), dbSNP rs200919310, ClinGen allele CA8371718.
Genomic context (GRCh38, chr17:8,228,302, plus strand): 5'-AGGACAATCGGAGCCTGGGGTTCACGTGAGTCAGGAAAGGGAGCTCTCCACACTGGAATC[G>A]CTGTAGCCGAGGAGGTTCTGAGGTGGGAAGAGAGGAAAAACACACGTCTCAGGCATGTGG-3'

ClinVar aggregate classification (germline): Conflicting classifications of pathogenicity. Review status: criteria provided, conflicting classifications (1 of 4 stars). 5 submissions from 5 submitters: Pathogenic (1); Likely pathogenic (1); Uncertain significance (3). Last evaluated 2025-12-01.

Conditions:
CTC1-related disorder. Also called: CTC1-related condition.
Dyskeratosis congenita. Identifiers: Orphanet 1775, MedGen C0265965, MONDO:0015780.
Cerebroretinal microangiopathy with calcifications and cysts 1 (CRMCC1). Identifiers: Orphanet 313838, MedGen C4552029, MONDO:0024564, OMIM 612199.

Allele frequency attached by ClinVar (database versions not stated): gnomAD 0.00002 and 0.00003; TOPMed 0.00003; gnomAD exomes 0.00010.
gnomAD v4.1: 139 of 1,613,960 alleles (0.0086%); highest among the groups gnomAD compares: Non-Finnish European, 0.012%; no homozygotes.

Submissions (5):

Labcorp Genetics (formerly Invitae), Labcorp
Classification: Pathogenic for Dyskeratosis congenita. Last evaluated: 2025-12-01. Review status: criteria provided, single submitter. Criteria: Invitae Variant Classification Sherloc (09022015). Collection method: clinical testing. Allele origin: germline.
Comment: This sequence change creates a premature translational stop signal (p.Arg1178*) in the CTC1 gene. While this is not anticipated to result in nonsense mediated decay, it is expected to disrupt the last 40 amino acid(s) of the CTC1 protein. This variant is present in population databases (rs200919310, gnomAD 0.005%). This variant has not been reported in the literature in individuals affected with CTC1-related conditions. ClinVar contains an entry for this variant (Variation ID: 451273). This variant disrupts a region of the CTC1 protein in which other variant(s) (p.Arg1195*) have been determined to be pathogenic (PMID: 22387016). This suggests that this is a clinically significant region of the protein, and that variants that disrupt it are likely to be disease-causing. For these reasons, this variant has been classified as Pathogenic.

Mayo Clinic Laboratories, Mayo Clinic
Classification: Uncertain significance. Last evaluated: 2022-07-13. Review status: criteria provided, single submitter. Criteria: ACMG Guidelines, 2015. Collection method: clinical testing. Allele origin: germline. Observed: 1 variant allele.
Comment: PVS1_moderate

Genome-Nilou Lab
Classification: Uncertain significance for Cerebroretinal microangiopathy with calcifications and cysts 1. Last evaluated: 2021-07-15. Review status: criteria provided, single submitter. Criteria: ACMG Guidelines, 2015. Collection method: clinical testing. Allele origin: germline. Affected: no.

Blueprint Genetics
Classification: Likely pathogenic for CTC1-related disorders. Last evaluated: 2021-04-07. Review status: criteria provided, single submitter. Criteria: ACMG Guidelines, 2015. Collection method: clinical testing. Allele origin: germline. Affected: yes. Observed: 1 variant allele.

GeneDx
Classification: Uncertain significance. Last evaluated: 2017-08-14. Review status: criteria provided, single submitter. Criteria: GeneDx Variant Classification (06012015). Collection method: clinical testing. Allele origin: germline. Affected: yes.
Comment: The R1178X variant in the CTC1 gene has not been reported previously as a pathogenic variant, nor as a benign variant, to our knowledge. This variant is predicted to cause loss of normal protein function through protein truncation. The R1178X variant is not observed at a significant frequency in large population cohorts (Lek et al., 2016; 1000 Genomes Consortium et al., 2015; Exome Variant Server). We interpret R1178X as a variant of uncertain significance.

Literature cited by the submitters: PubMed 22387016 (cited by Labcorp Genetics (formerly Invitae), Labcorp); PubMed 23869908 (cited by Mayo Clinic Laboratories, Mayo Clinic).